The following is an entry in ClinVar:

ClinVar aggregate classification (germline): Uncertain significance (1 of 4 stars; one submission).

Submission:

Labcorp Genetics (formerly Invitae), Labcorp
Classification: Uncertain significance. Last evaluated: 2022-02-02. Review status: criteria provided, single submitter. Criteria: Invitae Variant Classification Sherloc (09022015). Collection method: clinical testing. Allele origin: germline.
Comment: This variant has not been reported in the literature in individuals affected with RNF168-related conditions. In summary, the available evidence is currently insufficient to determine the role of this variant in disease. Therefore, it has been classified as a Variant of Uncertain Significance. Algorithms developed to predict the effect of missense changes on protein structure and function output the following: SIFT: "Tolerated"; PolyPhen-2: "Benign"; Align-GVGD: "Class C0". The leucine amino acid residue is found in multiple mammalian species, which suggests that this missense change does not adversely affect protein function. This variant is not present in population databases (gnomAD no frequency). This sequence change replaces serine, which is neutral and polar, with leucine, which is neutral and non-polar, at codon 42 of the RNF168 protein (p.Ser42Leu).

NM_152617.4(RNF168):c.125C>T (p.Ser42Leu)

Gene: RNF168 (ring finger protein 168; minus strand). Cytogenetic location: 3q29.
Variant type: single nucleotide variant.
Coding change: c.125C>T on transcript NM_152617.4 (MANE Select); coding-DNA position 125, C replaced by T.
Protein change: p.Ser42Leu; replaces serine 42 with leucine.
Molecular consequence: missense variant.
Genome position (GRCh38, 1-based): chr3:196,503,049, G>A on the plus strand (C>T on the coding strand, the complement: RNF168 is on the minus strand). VCF-style: chr3-196503049-G-A. GRCh37 (hg19) VCF-style: chr3-196229920-G-A.
Other names: short protein forms S42L.
Identifiers: ClinVar variation 2092109 (VCV002092109.4), dbSNP rs2473979965, ClinGen allele CA355628145.